The following is an entry in ClinVar:

ClinVar aggregate classification (germline): Uncertain significance (1 of 4 stars; one submission).

Conditions:
Charcot-Marie-Tooth disease axonal type 2S. Also called: CHARCOT-MARIE-TOOTH DISEASE, AXONAL, AUTOSOMAL RECESSIVE, TYPE 2S; CHARCOT-MARIE-TOOTH NEUROPATHY, TYPE 2S. Identifiers: Orphanet 443073, MedGen C4015349, MONDO:0014511, OMIM 616155.
Autosomal recessive distal spinal muscular atrophy 1. Also called: SEVERE INFANTILE AXONAL NEUROPATHY WITH RESPIRATORY FAILURE; SPINAL MUSCULAR ATROPHY, DIAPHRAGMATIC; HMN VI; NEURONOPATHY, SEVERE INFANTILE AXONAL, WITH RESPIRATORY FAILURE; Spinal muscular atrophy with respiratory distress 1; NEURONOPATHY, DISTAL HEREDITARY MOTOR, HARDING TYPE VI. Identifiers: Orphanet 98920, MedGen C1858517, MONDO:0011436, OMIM 604320.

gnomAD v4.1: 1 of 1,614,190 alleles (0.000062%); highest among the groups gnomAD compares: Non-Finnish European, 0.000085%; no homozygotes.

Submission:

Labcorp Genetics (formerly Invitae), Labcorp
Classification: Uncertain significance for Autosomal recessive distal spinal muscular atrophy 1; Charcot-Marie-Tooth disease axonal type 2S. Last evaluated: 2018-08-20. Review status: criteria provided, single submitter. Criteria: Invitae Variant Classification Sherloc (09022015). Collection method: clinical testing. Allele origin: germline.
Comment: This sequence change replaces histidine with arginine at codon 633 of the IGHMBP2 protein (p.His633Arg). The histidine residue is moderately conserved and there is a small physicochemical difference between histidine and arginine. This variant is not present in population databases (ExAC no frequency). This variant has not been reported in the literature in individuals with IGHMBP2-related disease. Algorithms developed to predict the effect of missense changes on protein structure and function are either unavailable or do not agree on the potential impact of this missense change (SIFT: "Deleterious"; PolyPhen-2: "Benign"; Align-GVGD: "Class C0"). In summary, the available evidence is currently insufficient to determine the role of this variant in disease. Therefore, it has been classified as a Variant of Uncertain Significance.

NM_002180.3(IGHMBP2):c.1898A>G (p.His633Arg)

Gene: IGHMBP2 (immunoglobulin mu DNA binding protein 2; plus strand). Cytogenetic location: 11q13.3.
Variant type: single nucleotide variant.
Coding change: c.1898A>G on transcript NM_002180.3 (MANE Select); coding-DNA position 1898, A replaced by G.
Protein change: p.His633Arg; replaces histidine 633 with arginine.
Molecular consequence: missense variant.
Genome position (GRCh38, 1-based): chr11:68,936,378, A>G. VCF-style: chr11-68936378-A-G. GRCh37 (hg19) VCF-style: chr11-68703846-A-G.
Other names: short protein forms H633R.
Identifiers: ClinVar variation 644971 (VCV000644971.9), dbSNP rs1594455594, ClinGen allele CA381651909.